The following is an entry in ClinVar:

NM_000836.4(GRIN2D):c.3043G>T (p.Glu1015Ter)

Gene: GRIN2D (glutamate ionotropic receptor NMDA type subunit 2D; plus strand). Cytogenetic location: 19q13.33.
Variant type: single nucleotide variant.
Coding change: c.3043G>T on transcript NM_000836.4 (MANE Select); coding-DNA position 3043, G replaced by T.
Protein change: p.Glu1015Ter; replaces glutamic acid 1015 with a stop codon.
Molecular consequence: nonsense.
Genome position (GRCh38, 1-based): chr19:48,442,969, G>T. VCF-style: chr19-48442969-G-T. GRCh37 (hg19) VCF-style: chr19-48946226-G-T.
Other names: short protein forms E1015*.
Identifiers: ClinVar variation 2001876 (VCV002001876.4), dbSNP rs2513692299, ClinGen allele CA406674761.

ClinVar aggregate classification (germline): Uncertain significance (1 of 4 stars; one submission).

Submission:

Labcorp Genetics (formerly Invitae), Labcorp
Classification: Uncertain significance. Last evaluated: 2023-02-13. Review status: criteria provided, single submitter. Criteria: Invitae Variant Classification Sherloc (09022015). Collection method: clinical testing. Allele origin: germline.
Comment: In summary, the available evidence is currently insufficient to determine the role of this variant in disease. Therefore, it has been classified as a Variant of Uncertain Significance. Experimental studies and prediction algorithms are not available or were not evaluated, and the functional significance of this variant is currently unknown. This variant has not been reported in the literature in individuals affected with GRIN2D-related conditions. This variant is not present in population databases (gnomAD no frequency). This sequence change creates a premature translational stop signal (p.Glu1015*) in the GRIN2D gene. While this is not anticipated to result in nonsense mediated decay, it is expected to disrupt the last 322 amino acid(s) of the GRIN2D protein.